The following is an entry in ClinVar:

NM_177438.3(DICER1):c.5053C>T (p.Gln1685Ter)

Gene: DICER1 (dicer 1, ribonuclease III; minus strand). Cytogenetic location: 14q32.13.
Variant type: single nucleotide variant.
Coding change: c.5053C>T on transcript NM_177438.3 (MANE Select); coding-DNA position 5053, C replaced by T.
Protein change: p.Gln1685Ter; replaces glutamine 1685 with a stop codon.
Molecular consequence: nonsense.
Genome position (GRCh38, 1-based): chr14:95,095,867, G>A on the plus strand (C>T on the coding strand, the complement: DICER1 is on the minus strand). VCF-style: chr14-95095867-G-A. GRCh37 (hg19) VCF-style: chr14-95562204-G-A.
Other names: c.5053C>T, p.Gln1685Ter (NM_001195573.1, NM_001271282.3, NM_001291628.2 and 1 more transcripts); short protein forms Q1685*.
Identifiers: ClinVar variation 254341 (VCV000254341.7), dbSNP rs886037721, ClinGen allele CA10586409.
Genomic context (GRCh38, chr14:95,095,867, plus strand): 5'-TGGTCGTGGGCTCCTTACCAGTGATAGTATTGTAGTGGTAGGAGGCATGTGTAAAAGCCT[G>A]GAGAAGGTAAGCCTTATTCTTGAATCTGTAGTTGATTTTCTTTTCAAAATTTTCAAACCC-3'

ClinVar aggregate classification (germline): Pathogenic. Review status: criteria provided, multiple submitters, no conflicts (2 of 4 stars). 4 submissions from 4 submitters: Pathogenic (4). Last evaluated 2025-04-18.

Conditions:
Rhabdomyosarcoma, embryonal, 2 (RMSE2). Identifiers: MedGen C1867234, MONDO:0859046, OMIM 180295.
DICER1-related tumor predisposition. Also called: DICER1 syndrome; DICER1-related pleuropulmonary blastoma cancer predisposition syndrome. Identifiers: Orphanet 284343, MedGen C3839822, MONDO:0100216.

Submissions (4):

Labcorp Genetics (formerly Invitae), Labcorp
Classification: Pathogenic for DICER1-related tumor predisposition. Last evaluated: 2025-04-18. Review status: criteria provided, single submitter. Criteria: Invitae Variant Classification Sherloc (09022015). Collection method: clinical testing. Allele origin: germline.
Comment: This sequence change creates a premature translational stop signal (p.Gln1685*) in the DICER1 gene. It is expected to result in an absent or disrupted protein product. Loss-of-function variants in DICER1 are known to be pathogenic (PMID: 19556464, 21266384). This variant is not present in population databases (gnomAD no frequency). This premature translational stop signal has been observed in individual(s) with DICER1-related conditions (PMID: 34308366). ClinVar contains an entry for this variant (Variation ID: 254341). For these reasons, this variant has been classified as Pathogenic.

Department of Pediatrics, Memorial Sloan Kettering Cancer Center
Classification: Pathogenic for Rhabdomyosarcoma, embryonal, 2. Last evaluated: 2020-12-15. Review status: criteria provided, single submitter. Criteria: ACMG Guidelines, 2015. Collection method: research. Allele origin: germline. Affected: yes.

Foulkes Cancer Genetics LDI, Lady Davis Institute for Medical Research
Classification: Pathogenic for Pleuropulmonary blastoma. Last evaluated: 2019-07-01. Review status: criteria provided, single submitter. Criteria: ACMG Guidelines, 2015. Collection method: curation. Allele origin: germline. Affected: yes. Observed: 2 variant alleles.
Comment: ACMG criteria met: PVS1, PM2, PP4

International Pleuropulmonary Blastoma Registry, Children's Hospitals and Clinics of Minnesota
Classification: Pathogenic for Pleuropulmonary blastoma. Last evaluated: 2014-11-10. Review status: criteria provided, single submitter. Criteria: Hill et al. (Science. 2009). Collection method: clinical testing. Allele origin: germline. Affected: yes. Study: PPB-DICER1 Genetic study.

Literature cited by the submitters: PubMed 19556464 (cited by Labcorp Genetics (formerly Invitae), Labcorp); PubMed 21266384 (cited by Labcorp Genetics (formerly Invitae), Labcorp); PubMed 34308366 (cited by Labcorp Genetics (formerly Invitae), Labcorp); PubMed 28873162 (cited by Department of Pediatrics, Memorial Sloan Kettering Cancer Center); PubMed 30446821 (cited by Foulkes Cancer Genetics LDI, Lady Davis Institute for Medical Research); PubMed 26925222 (cited by Foulkes Cancer Genetics LDI, Lady Davis Institute for Medical Research and International Pleuropulmonary Blastoma Registry, Children's Hospitals and Clinics of Minnesota).